The following is an entry in ClinVar:

NM_000489.6(ATRX):c.2556T>A (p.Asp852Glu)

Gene: ATRX (ATRX chromatin remodeler; minus strand). Cytogenetic location: Xq21.1.
Variant type: single nucleotide variant.
Coding change: c.2556T>A on transcript NM_000489.6 (MANE Select); coding-DNA position 2556, T replaced by A.
Protein change: p.Asp852Glu; replaces aspartic acid 852 with glutamic acid.
Molecular consequence: missense variant.
Genome position (GRCh38, 1-based): chrX:77,682,700, A>T on the plus strand (T>A on the coding strand, the complement: ATRX is on the minus strand). VCF-style: chrX-77682700-A-T. GRCh37 (hg19) VCF-style: chrX-76938192-A-T.
Other names: c.2442T>A, p.Asp814Glu (NM_138270.5); short protein forms D814E, D852E.
Identifiers: ClinVar variation 3679077 (VCV003679077.2).

ClinVar aggregate classification (germline): Uncertain significance (1 of 4 stars; one submission).

Conditions:
Alpha thalassemia-X-linked intellectual disability syndrome (ATRX). Also called: ALPHA-THALASSEMIA/MENTAL RETARDATION SYNDROME, X-LINKED; ATR, NONDELETION TYPE; ATR-X syndrome; Alpha thalassemia mental retardation syndrome, nondeletion type, X-linked; XLMR hypotonic face syndrome; X-linked alpha-thalassemia-mental retardation syndrome. Identifiers: Orphanet 847, MedGen C1845055, MONDO:0010519, OMIM 301040.

Submission:

Labcorp Genetics (formerly Invitae), Labcorp
Classification: Uncertain significance for Alpha thalassemia-X-linked intellectual disability syndrome. Last evaluated: 2024-10-30. Review status: criteria provided, single submitter. Criteria: Invitae Variant Classification Sherloc (09022015). Collection method: clinical testing. Allele origin: germline.
Comment: This sequence change replaces aspartic acid, which is acidic and polar, with glutamic acid, which is acidic and polar, at codon 852 of the ATRX protein (p.Asp852Glu). This variant is not present in population databases (gnomAD no frequency). This variant has not been reported in the literature in individuals affected with ATRX-related conditions. Invitae Evidence Modeling of protein sequence and biophysical properties (such as structural, functional, and spatial information, amino acid conservation, physicochemical variation, residue mobility, and thermodynamic stability) indicates that this missense variant is not expected to disrupt ATRX protein function with a negative predictive value of 95%. In summary, the available evidence is currently insufficient to determine the role of this variant in disease. Therefore, it has been classified as a Variant of Uncertain Significance.